The following is an entry in ClinVar:

NM_000159.4(GCDH):c.1247C>T (p.Thr416Ile)

Genes: GCDH (glutaryl-CoA dehydrogenase; plus strand), SYCE2 (synaptonemal complex central element protein 2; minus strand), LOC126862860 (BRD4-independent group 4 enhancer GRCh37_chr19:13010146-13011345; plus strand). Cytogenetic location: 19p13.13.
Variant type: single nucleotide variant.
Coding change: c.1247C>T on transcript NM_000159.4 (MANE Select); coding-DNA position 1247, C replaced by T.
Protein change: p.Thr416Ile; replaces threonine 416 with isoleucine.
Molecular consequence: missense variant. On other transcripts: non-coding transcript variant (2), intron variant (2).
Genome position (GRCh38, 1-based): chr19:12,899,471, C>T. VCF-style: chr19-12899471-C-T. GRCh37 (hg19) VCF-style: chr19-13010285-C-T.
Other names: c.1244-229C>T (NM_013976.5); c.613-86G>A (NM_001105578.2); short protein forms T416I.
Identifiers: ClinVar variation 2084 (VCV000002084.11), dbSNP rs121434368, ClinGen allele CA252096.

ClinVar aggregate classification (germline): Likely pathogenic. Review status: criteria provided, single submitter (1 of 4 stars). 2 submissions from 2 submitters: Likely pathogenic (1). 1 of the submissions does not count toward it. Last evaluated 2021-06-03.

Conditions:
Glutaric aciduria, type 1. Also called: Glutaryl-CoA dehydrogenase deficiency; Glutaric acidemia type I; Glutaricaciduria, type I; GA I; Glutaric Acidemia Type 1; Glutaricacidemia Type 1. Identifiers: Orphanet 25, MedGen C0268595, MONDO:0009281, OMIM 231670.

Allele frequency attached by ClinVar (database versions not stated): gnomAD exomes below 0.00001; TOPMed below 0.00001.
gnomAD v4.1: 1 of 1,614,150 alleles (0.000062%); highest among the groups gnomAD compares: Non-Finnish European, 0.000085%; no homozygotes.

Submissions (2):

Labcorp Genetics (formerly Invitae), Labcorp
Classification: Likely pathogenic for Glutaric aciduria, type 1. Last evaluated: 2021-06-03. Review status: criteria provided, single submitter. Criteria: Invitae Variant Classification Sherloc (09022015). Collection method: clinical testing. Allele origin: germline.
Comment: This sequence change replaces threonine with isoleucine at codon 416 of the GCDH protein (p.Thr416Ile). The threonine residue is highly conserved and there is a moderate physicochemical difference between threonine and isoleucine. This variant is not present in population databases (ExAC no frequency). This variant has been observed in individual(s) with glutaric acidemia type I (PMID: 15248096, 17188916, 8900228). It has also been observed to segregate with disease in related individuals. ClinVar contains an entry for this variant (Variation ID: 2084). Advanced modeling of protein sequence and biophysical properties (such as structural, functional, and spatial information, amino acid conservation, physicochemical variation, residue mobility, and thermodynamic stability) performed at Invitae indicates that this missense variant is expected to disrupt GCDH protein function. In summary, the currently available evidence indicates that the variant is pathogenic, but additional data are needed to prove that conclusively. Therefore, this variant has been classified as Likely Pathogenic.

OMIM
Classification: Pathogenic for GLUTARIC ACIDEMIA I. Last evaluated: 1996-11-01. Review status: no assertion criteria provided. Collection method: literature only. Allele origin: germline. Not counted in ClinVar's aggregate classification.

Literature cited by the submitters: PubMed 15248096 (cited by Labcorp Genetics (formerly Invitae), Labcorp); PubMed 17188916 (cited by Labcorp Genetics (formerly Invitae), Labcorp); PubMed 8900228 (cited by Labcorp Genetics (formerly Invitae), Labcorp and OMIM).